The following is an entry in ClinVar:

NM_004614.5(TK2):c.210C>G (p.Phe70Leu)

Gene: TK2 (thymidine kinase 2; minus strand). Cytogenetic location: 16q21.
Variant type: single nucleotide variant.
Coding change: c.210C>G on transcript NM_004614.5 (MANE Select); coding-DNA position 210, C replaced by G.
Protein change: p.Phe70Leu; replaces phenylalanine 70 with leucine.
Molecular consequence: missense variant. On other transcripts: 5 prime UTR variant (1), non-coding transcript variant (1), intron variant (1).
Genome position (GRCh38, 1-based): chr16:66,541,900, G>C on the plus strand (C>G on the coding strand, the complement: TK2 is on the minus strand). VCF-style: chr16-66541900-G-C. GRCh37 (hg19) VCF-style: chr16-66575803-G-C.
Other names: c.117C>G, p.Phe39Leu (NM_001172643.1, NM_001271935.1); c.210C>G, p.Phe70Leu (NM_001172645.2); c.63C>G, p.Phe21Leu (NM_001271934.2); c.-82C>G (NM_001272050.2); c.157-4883C>G (NM_001172644.2); short protein forms F21L, F70L, F39L.
Identifiers: ClinVar variation 1996861 (VCV001996861.4), dbSNP rs1454025435, ClinGen allele CA396192480.

ClinVar aggregate classification (germline): Uncertain significance (1 of 4 stars; one submission).

Submission:

Labcorp Genetics (formerly Invitae), Labcorp
Classification: Uncertain significance. Last evaluated: 2022-05-20. Review status: criteria provided, single submitter. Criteria: Invitae Variant Classification Sherloc (09022015). Collection method: clinical testing. Allele origin: germline.
Comment: In summary, the available evidence is currently insufficient to determine the role of this variant in disease. Therefore, it has been classified as a Variant of Uncertain Significance. Algorithms developed to predict the effect of missense changes on protein structure and function are either unavailable or do not agree on the potential impact of this missense change (SIFT: "Deleterious"; PolyPhen-2: "Probably Damaging"; Align-GVGD: "Class C0"). This variant has not been reported in the literature in individuals affected with TK2-related conditions. This variant is not present in population databases (gnomAD no frequency). This sequence change replaces phenylalanine, which is neutral and non-polar, with leucine, which is neutral and non-polar, at codon 70 of the TK2 protein (p.Phe70Leu).